The following is an entry in ClinVar:

NM_018671.5(UNC45A):c.287A>G (p.Tyr96Cys)

Gene: UNC45A (unc-45 myosin chaperone A; plus strand). Cytogenetic location: 15q26.1.
Variant type: single nucleotide variant.
Coding change: c.287A>G on transcript NM_018671.5 (MANE Select); coding-DNA position 287, A replaced by G.
Protein change: p.Tyr96Cys; replaces tyrosine 96 with cysteine.
Molecular consequence: missense variant. On other transcripts: 5 prime UTR variant (1).
Genome position (GRCh38, 1-based): chr15:90,936,321, A>G. VCF-style: chr15-90936321-A-G. GRCh37 (hg19) VCF-style: chr15-91479551-A-G.
Other names: c.242A>G, p.Tyr81Cys (NM_001039675.2, NM_001323621.2); c.287A>G, p.Tyr96Cys (NM_001323619.1); c.-149A>G (NM_001323620.2); short protein forms Y96C, Y81C.
Identifiers: ClinVar variation 1997075 (VCV001997075.4), dbSNP rs1408157627, ClinGen allele CA393890780.
Genomic context (GRCh38, chr15:90,936,321, plus strand): 5'-GACAGCGCTCCTGTTTGTGCTCAGCCATTGAAAAGGATGGTGGGGATGTCAAAGCACTCT[A>G]CCGGCGGAGCCAAGCCCTAGAGAAGCTGGGCCGCCTGGACCAGGCTGTCCTTGACCTGCA-3'
Protein context (NP_061141.2, residues 86-106): EKDGGDVKAL[Tyr96Cys]RRSQALEKLG

ClinVar aggregate classification (germline): Uncertain significance (1 of 4 stars; one submission).

Allele frequency attached by ClinVar (database versions not stated): gnomAD exomes below 0.00001.
gnomAD v4.1: 1 of 1,614,008 alleles (0.000062%); highest among the groups gnomAD compares: Non-Finnish European, 0.000085%; no homozygotes.

Submission:

Labcorp Genetics (formerly Invitae), Labcorp
Classification: Uncertain significance. Last evaluated: 2022-05-20. Review status: criteria provided, single submitter. Criteria: Invitae Variant Classification Sherloc (09022015). Collection method: clinical testing. Allele origin: germline.
Comment: In summary, the available evidence is currently insufficient to determine the role of this variant in disease. Therefore, it has been classified as a Variant of Uncertain Significance. Algorithms developed to predict the effect of missense changes on protein structure and function are either unavailable or do not agree on the potential impact of this missense change (SIFT: "Not Available"; PolyPhen-2: "Probably Damaging"; Align-GVGD: "Not Available"). This variant has not been reported in the literature in individuals affected with UNC45A-related conditions. This variant is not present in population databases (gnomAD no frequency). This sequence change replaces tyrosine, which is neutral and polar, with cysteine, which is neutral and slightly polar, at codon 96 of the UNC45A protein (p.Tyr96Cys).